The following is an entry in ClinVar:

ClinVar aggregate classification (germline): Likely benign. Review status: criteria provided, single submitter (1 of 4 stars). 2 submissions from 2 submitters: Likely benign (1). 1 of the submissions does not count toward it. Last evaluated 2023-07-01.

Conditions:
KAT2B-related disorder. Also called: KAT2B-related condition.

Allele frequency attached by ClinVar (database versions not stated): 1000 Genomes Project 30x 0.00016; 1000 Genomes Project 0.00020; ExAC 0.00022; ESP Exome Variant Server 0.00031; gnomAD 0.00041; TOPMed 0.00048; gnomAD exomes 0.00050.
gnomAD v4.1: 788 of 1,613,336 alleles (0.049%); highest among the groups gnomAD compares: Admixed American, 0.1%; no homozygotes.

Submissions (2):

CeGaT Center for Human Genetics Tuebingen
Classification: Likely benign. Last evaluated: 2023-07-01. Review status: criteria provided, single submitter. Criteria: CeGaT Center For Human Genetics Tuebingen Variant Classification Criteria Version 2. Collection method: clinical testing. Allele origin: germline. Affected: yes. Observed: 1 variant allele.
Comment: KAT2B: BP4

PreventionGenetics, part of Exact Sciences
Classification: Likely benign for KAT2B-related condition. Last evaluated: 2020-03-04. Review status: no assertion criteria provided. Collection method: clinical testing. Allele origin: germline. Not counted in ClinVar's aggregate classification.
Comment: This variant is classified as likely benign based on ACMG/AMP sequence variant interpretation guidelines (Richards et al. 2015 PMID: 25741868, with internal and published modifications).

NM_003884.5(KAT2B):c.2430C>T (p.Tyr810=)

Gene: KAT2B (lysine acetyltransferase 2B; plus strand). Cytogenetic location: 3p24.3.
Variant type: single nucleotide variant.
Coding change: c.2430C>T on transcript NM_003884.5 (MANE Select); coding-DNA position 2430, C replaced by T.
Protein change: p.Tyr810=; no amino-acid change (tyrosine 810 retained).
Molecular consequence: synonymous variant.
Genome position (GRCh38, 1-based): chr3:20,152,456, C>T. VCF-style: chr3-20152456-C-T. GRCh37 (hg19) VCF-style: chr3-20193948-C-T.
Other names: c.2430C>T (NM_003884.4).
Identifiers: ClinVar variation 2653625 (VCV002653625.25), dbSNP rs150884035, ClinGen allele CA2284937.